The following is an entry in ClinVar:

NM_004629.2(FANCG):c.1657C>T (p.His553Tyr)

Gene: FANCG (FA complementation group G; minus strand). Cytogenetic location: 9p13.3.
Variant type: single nucleotide variant.
Coding change: c.1657C>T on transcript NM_004629.2 (MANE Select); coding-DNA position 1657, C replaced by T.
Protein change: p.His553Tyr; replaces histidine 553 with tyrosine.
Molecular consequence: missense variant.
Genome position (GRCh38, 1-based): chr9:35,074,474, G>A on the plus strand (C>T on the coding strand, the complement: FANCG is on the minus strand). VCF-style: chr9-35074474-G-A. GRCh37 (hg19) VCF-style: chr9-35074471-G-A.
Other names: short protein forms H553Y.
Identifiers: ClinVar variation 1319086 (VCV001319086.5), dbSNP rs1251259584, ClinGen allele CA373301212.

ClinVar aggregate classification (germline): Uncertain significance. Review status: criteria provided, multiple submitters, no conflicts (2 of 4 stars). 3 submissions from 3 submitters: Uncertain significance (3). Last evaluated 2025-05-31.

Conditions:
Inborn genetic diseases. Identifiers: MedGen C0950123, MeSH D030342.
Fanconi anemia complementation group G. Also called: Fanconi anemia group G; FANCG-Related Fanconi Anemia. Identifiers: Orphanet 84, MedGen C3469527, MONDO:0013565, OMIM 614082.

Submissions (3):

Ambry Genetics
Classification: Uncertain significance for Inborn genetic diseases. Last evaluated: 2025-05-31. Review status: criteria provided, single submitter. Criteria: Ambry Variant Classification Scheme 2023. Collection method: clinical testing. Allele origin: germline.
Comment: The p.H553Y variant (also known as c.1657C>T), located in coding exon 13 of the FANCG gene, results from a C to T substitution at nucleotide position 1657. The histidine at codon 553 is replaced by tyrosine, an amino acid with similar properties. This amino acid position is conserved. In addition, this alteration is predicted to be tolerated by in silico analysis. Based on the available evidence, the clinical significance of this variant remains unclear.

Fulgent Genetics
Classification: Uncertain significance for Fanconi anemia complementation group G. Last evaluated: 2022-04-11. Review status: criteria provided, single submitter. Criteria: ACMG Guidelines, 2015. Collection method: clinical testing. Allele origin: unknown.

Institute for Clinical Genetics, University Hospital TU Dresden, University Hospital TU Dresden
Classification: Uncertain significance. Last evaluated: 2021-11-03. Review status: criteria provided, single submitter. Criteria: ACMG Guidelines, 2015. Collection method: clinical testing. Allele origin: germline.